The following is an entry in ClinVar:

NM_004369.4(COL6A3):c.6287C>T (p.Ser2096Phe)

Genes: COL6A3 (collagen type VI alpha 3 chain; minus strand), LOC122889011 (Sharpr-MPRA regulatory region 1020; plus strand). Cytogenetic location: 2q37.3.
Variant type: single nucleotide variant.
Coding change: c.6287C>T on transcript NM_004369.4 (MANE Select); coding-DNA position 6287, C replaced by T.
Protein change: p.Ser2096Phe; replaces serine 2096 with phenylalanine.
Molecular consequence: missense variant.
Genome position (GRCh38, 1-based): chr2:237,359,384, G>A on the plus strand (C>T on the coding strand, the complement: COL6A3 is on the minus strand). VCF-style: chr2-237359384-G-A. GRCh37 (hg19) VCF-style: chr2-238268027-G-A.
Other names: c.4466C>T, p.Ser1489Phe (NM_057166.5); c.5669C>T, p.Ser1890Phe (NM_057167.4); short protein forms S1890F, S2096F, S1489F.
Identifiers: ClinVar variation 1506673 (VCV001506673.6), dbSNP rs765213888, ClinGen allele CA351216317.

ClinVar aggregate classification (germline): Uncertain significance (1 of 4 stars; one submission).

Conditions:
Bethlem myopathy 1A. Also called: Bethlem myopathy 1; Bethlem Muscular Dystrophy; MYOPATHY, BENIGN CONGENITAL, WITH CONTRACTURES. Identifiers: Orphanet 610, MedGen CN029274, MONDO:0024530, OMIM 158810.

Submission:

Labcorp Genetics (formerly Invitae), Labcorp
Classification: Uncertain significance for Bethlem myopathy 1A. Last evaluated: 2021-10-31. Review status: criteria provided, single submitter. Criteria: Invitae Variant Classification Sherloc (09022015). Collection method: clinical testing. Allele origin: germline.
Comment: In summary, the available evidence is currently insufficient to determine the role of this variant in disease. Therefore, it has been classified as a Variant of Uncertain Significance. Advanced modeling of protein sequence and biophysical properties (such as structural, functional, and spatial information, amino acid conservation, physicochemical variation, residue mobility, and thermodynamic stability) performed at Invitae indicates that this missense variant is not expected to disrupt COL6A3 protein function. This variant has not been reported in the literature in individuals affected with COL6A3-related conditions. This variant is not present in population databases (gnomAD no frequency). This sequence change replaces serine, which is neutral and polar, with phenylalanine, which is neutral and non-polar, at codon 2096 of the COL6A3 protein (p.Ser2096Phe).